The following is an entry in ClinVar:

ClinVar aggregate classification (germline): Uncertain significance. Review status: criteria provided, multiple submitters, no conflicts (2 of 4 stars). 2 submissions from 2 submitters: Uncertain significance (2). Last evaluated 2024-07-08.

Conditions:
Cardiovascular phenotype. Identifiers: MedGen CN230736.
Long QT syndrome (LQTS). Identifiers: MedGen C0023976, MeSH D008133, MONDO:0002442. Disease mechanism: loss of function. Inheritance: Various modes of inheritance.

Allele frequency attached by ClinVar (database versions not stated): TOPMed below 0.00001.
gnomAD v4.1: 1 of 1,302,864 alleles (0.000077%); highest among the groups gnomAD compares: African/African-American, 0.0015%; no homozygotes.

Submissions (2):

Ambry Genetics
Classification: Uncertain significance for Cardiovascular phenotype. Last evaluated: 2024-07-08. Review status: criteria provided, single submitter. Criteria: Ambry Variant Classification Scheme 2023. Collection method: clinical testing. Allele origin: germline.
Comment: The p.A282P variant (also known as c.844G>C), located in coding exon 4 of the KCNH2 gene, results from a G to C substitution at nucleotide position 844. The alanine at codon 282 is replaced by proline, an amino acid with highly similar properties. This amino acid position is highly conserved in available vertebrate species. In addition, this alteration is predicted to be deleterious by in silico analysis. Based on the available evidence, the clinical significance of this variant remains unclear.

Labcorp Genetics (formerly Invitae), Labcorp
Classification: Uncertain significance for Long QT syndrome. Last evaluated: 2022-07-26. Review status: criteria provided, single submitter. Criteria: Invitae Variant Classification Sherloc (09022015). Collection method: clinical testing. Allele origin: germline.
Comment: This variant is not present in population databases (gnomAD no frequency). In summary, the available evidence is currently insufficient to determine the role of this variant in disease. Therefore, it has been classified as a Variant of Uncertain Significance. Algorithms developed to predict the effect of missense changes on protein structure and function are either unavailable or do not agree on the potential impact of this missense change (SIFT: "Tolerated"; PolyPhen-2: "Probably Damaging"; Align-GVGD: "Class C0"). ClinVar contains an entry for this variant (Variation ID: 1492770). This variant has not been reported in the literature in individuals affected with KCNH2-related conditions. This sequence change replaces alanine, which is neutral and non-polar, with proline, which is neutral and non-polar, at codon 282 of the KCNH2 protein (p.Ala282Pro).

NM_000238.4(KCNH2):c.844G>C (p.Ala282Pro)

Gene: KCNH2 (potassium voltage-gated channel subfamily H member 2; minus strand). Cytogenetic location: 7q36.1.
Variant type: single nucleotide variant.
Coding change: c.844G>C on transcript NM_000238.4 (MANE Select); coding-DNA position 844, G replaced by C.
Protein change: p.Ala282Pro; replaces alanine 282 with proline.
Molecular consequence: missense variant.
Genome position (GRCh38, 1-based): chr7:150,958,131, C>G on the plus strand (G>C on the coding strand, the complement: KCNH2 is on the minus strand). VCF-style: chr7-150958131-C-G. GRCh37 (hg19) VCF-style: chr7-150655219-C-G.
Other names: c.556G>C, p.Ala186Pro (NM_001406753.1, NM_001406756.1); c.667G>C, p.Ala223Pro (NM_001406755.1); c.844G>C, p.Ala282Pro (NM_172056.3); c.544G>C, p.Ala182Pro (NM_001406757.1); short protein forms A282P, A186P, A223P, A182P.
Identifiers: ClinVar variation 1492770 (VCV001492770.10), dbSNP rs1045234210, ClinGen allele CA169081204.